The following is an entry in ClinVar:

NM_000383.4(AIRE):c.1400+3G>T

Gene: AIRE (autoimmune regulator; plus strand). Cytogenetic location: 21q22.3.
Variant type: single nucleotide variant.
Coding change: c.1400+3G>T on transcript NM_000383.4 (MANE Select); 3 bases into the intron after coding-DNA position 1400, G replaced by T.
Molecular consequence: intron variant.
Genome position (GRCh38, 1-based): chr21:44,293,913, G>T. VCF-style: chr21-44293913-G-T. GRCh37 (hg19) VCF-style: chr21-45713796-G-T.
Identifiers: ClinVar variation 4714946 (VCV004714946.1).

ClinVar aggregate classification (germline): Uncertain significance (1 of 4 stars; one submission).

Conditions:
Polyglandular autoimmune syndrome, type 1 (APS1). Also called: HYPOADRENOCORTICISM WITH HYPOPARATHYROIDISM AND SUPERFICIAL MONILIASIS; PGA I; AUTOIMMUNE POLYENDOCRINE SYNDROME, TYPE I, WITH OR WITHOUT REVERSIBLE METAPHYSEAL DYSPLASIA; APS I; Autoimmune polyendocrinopathy syndrome , type I, with or without reversible metaphyseal dysplasia; Whitaker syndrome. Identifiers: Orphanet 3453, MedGen C0085859, MONDO:0009411, OMIM 240300.

Submission:

Labcorp Genetics (formerly Invitae), Labcorp
Classification: Uncertain significance for Polyglandular autoimmune syndrome, type 1. Last evaluated: 2025-03-12. Review status: criteria provided, single submitter. Criteria: Invitae Variant Classification Sherloc (09022015). Collection method: clinical testing. Allele origin: germline.
Comment: This sequence change falls in intron 11 of the AIRE gene. It does not directly change the encoded amino acid sequence of the AIRE protein. It affects a nucleotide within the consensus splice site. This variant is not present in population databases (gnomAD no frequency). This variant has not been reported in the literature in individuals affected with AIRE-related conditions. Variants that disrupt the consensus splice site are a relatively common cause of aberrant splicing (PMID: 17576681, 9536098). Algorithms developed to predict the effect of sequence changes on RNA splicing suggest that this variant is not likely to affect RNA splicing. In summary, the available evidence is currently insufficient to determine the role of this variant in disease. Therefore, it has been classified as a Variant of Uncertain Significance.

Literature cited by the submitters: PubMed 17576681; PubMed 9536098.